The following is an entry in ClinVar:

ClinVar aggregate classification (germline): Benign. Review status: criteria provided, multiple submitters, no conflicts (2 of 4 stars). 3 submissions from 3 submitters: Benign (3). Last evaluated 2019-10-16.

Conditions:
Growth delay due to insulin-like growth factor I resistance. Also called: Somatomedin end-organ insensitivity to; Somatomedin-c resistance to; IGF-1 resistance; IGF-I RESISTANCE; Insulin-Like Growth Factor I Resistance. Identifiers: Orphanet 73273, MedGen C1849157, MONDO:0010038, OMIM 270450.

Allele frequency attached by ClinVar (database versions not stated): gnomAD exomes 0.46139; 1000 Genomes Project 0.49201; 1000 Genomes Project 30x 0.49969; gnomAD 0.50788 and 0.51536; TOPMed 0.52248.
gnomAD v4.1: 114,849 of 233,276 alleles (49%); highest among the groups gnomAD compares: African/African-American, 61%; 28,745 homozygotes.

Submissions (3):

GeneDx
Classification: Benign. Last evaluated: 2019-10-16. Review status: criteria provided, single submitter. Criteria: GeneDx Variant Classification Process June 2021. Collection method: clinical testing. Allele origin: germline. Affected: yes.
Comment: This variant is associated with the following publications: (PMID: 30365147)

Illumina Laboratory Services, Illumina
Classification: Benign for Growth delay due to insulin-like growth factor I resistance. Last evaluated: 2018-01-13. Review status: criteria provided, single submitter. Criteria: ICSL Variant Classification Criteria 13 December 2019. Collection method: clinical testing. Allele origin: germline.
Comment: This variant was observed in the ICSL laboratory as part of a predisposition screen in an ostensibly healthy population. It had not been previously curated by ICSL or reported in the Human Gene Mutation Database (HGMD: prior to June 1st, 2018), and was therefore a candidate for classification through an automated scoring system. Utilizing variant allele frequency, disease prevalence and penetrance estimates, and inheritance mode, an automated score was calculated to assess if this variant is too frequent to cause the disease. Based on the score and internal cut-off values, a variant classified as benign is not then subjected to further curation. The score for this variant resulted in a classification of benign for this disease.

Breakthrough Genomics
Classification: Benign. Review status: criteria provided, single submitter. Criteria: ACMG Guidelines, 2015. Collection method: not provided. Allele origin: germline. Inheritance: Autosomal dominant inheritance. Affected: yes.

NM_000875.5(IGF1R):c.*3766C>T

Gene: IGF1R (insulin like growth factor 1 receptor; plus strand). Cytogenetic location: 15q26.3.
Variant type: single nucleotide variant.
Coding change: c.*3766C>T on transcript NM_000875.5 (MANE Select); 3766 bases downstream of the stop codon, C replaced by T.
Molecular consequence: 3 prime UTR variant.
Genome position (GRCh38, 1-based): chr15:98,961,208, C>T. VCF-style: chr15-98961208-C-T. GRCh37 (hg19) VCF-style: chr15-99504437-C-T.
Other names: c.*3766C>T (NM_001291858.2).
Identifiers: ClinVar variation 317566 (VCV000317566.8), dbSNP rs2684788, ClinGen allele CA10642754.